The following is an entry in ClinVar:

ClinVar aggregate classification (germline): Uncertain significance (1 of 4 stars; one submission).

Submission:

Labcorp Genetics (formerly Invitae), Labcorp
Classification: Uncertain significance. Last evaluated: 2022-07-06. Review status: criteria provided, single submitter. Criteria: Invitae Variant Classification Sherloc (09022015). Collection method: clinical testing. Allele origin: germline.
Comment: This variant has not been reported in the literature in individuals affected with TRRAP-related conditions. This sequence change replaces glutamic acid, which is acidic and polar, with aspartic acid, which is acidic and polar, at codon 1716 of the TRRAP protein (p.Glu1716Asp). This variant is not present in population databases (gnomAD no frequency). Algorithms developed to predict the effect of missense changes on protein structure and function (SIFT, PolyPhen-2, Align-GVGD) all suggest that this variant is likely to be tolerated. In summary, the available evidence is currently insufficient to determine the role of this variant in disease. Therefore, it has been classified as a Variant of Uncertain Significance.

NM_001375524.1(TRRAP):c.5223G>T (p.Glu1741Asp)

Genes: TRRAP (transformation/transcription domain associated protein; plus strand), LOC126860121 (MED14-independent group 3 enhancer GRCh37_chr7:98547245-98548444; plus strand). Cytogenetic location: 7q22.1.
Variant type: single nucleotide variant.
Coding change: c.5223G>T on transcript NM_001375524.1 (MANE Select); coding-DNA position 5223, G replaced by T.
Protein change: p.Glu1741Asp; replaces glutamic acid 1741 with aspartic acid.
Molecular consequence: missense variant.
Genome position (GRCh38, 1-based): chr7:98,950,151, G>T. VCF-style: chr7-98950151-G-T. GRCh37 (hg19) VCF-style: chr7-98547774-G-T.
Other names: c.5202G>T, p.Glu1734Asp (NM_001244580.2); c.5148G>T, p.Glu1716Asp (NM_003496.4); short protein forms E1741D, E1734D, E1716D.
Identifiers: ClinVar variation 2014686 (VCV002014686.4), dbSNP rs1410177074, ClinGen allele CA368317065.
Genomic context (GRCh38, chr7:98,950,151, plus strand): 5'-GTTCCAGCTGCTCCGAGCCTTTACTGGTCGTTTTCTCTGCAACATGACATTCTTAAAAGA[G>T]TATATGGAGGAAGAGATTCCCAAAAATTACAGCATCGCTCAGAAACGTGCCCTGTTCTTT-3'
Protein context (NP_001362453.1, residues 1731-1751): RFLCNMTFLK[Glu1741Asp]YMEEEIPKNY